The following is an entry in ClinVar:

ClinVar aggregate classification (germline): Uncertain significance. Review status: criteria provided, multiple submitters, no conflicts (2 of 4 stars). 2 submissions from 2 submitters: Uncertain significance (2). Last evaluated 2025-04-29.

Allele frequency attached by ClinVar (database versions not stated): gnomAD exomes below 0.00001; TOPMed below 0.00001.

Submissions (2):

Ambry Genetics
Classification: Uncertain significance. Last evaluated: 2025-04-29. Review status: criteria provided, single submitter. Criteria: Ambry Variant Classification Scheme 2023. Collection method: clinical testing. Allele origin: germline.

Labcorp Genetics (formerly Invitae), Labcorp
Classification: Uncertain significance. Last evaluated: 2023-12-18. Review status: criteria provided, single submitter. Criteria: Invitae Variant Classification Sherloc (09022015). Collection method: clinical testing. Allele origin: germline.
Comment: This sequence change replaces phenylalanine, which is neutral and non-polar, with leucine, which is neutral and non-polar, at codon 219 of the KIF23 protein (p.Phe219Leu). This variant is not present in population databases (gnomAD no frequency). This variant has not been reported in the literature in individuals affected with KIF23-related conditions. ClinVar contains an entry for this variant (Variation ID: 1392631). Advanced modeling of protein sequence and biophysical properties (such as structural, functional, and spatial information, amino acid conservation, physicochemical variation, residue mobility, and thermodynamic stability) performed at Invitae indicates that this missense variant is expected to disrupt KIF23 protein function with a positive predictive value of 80%. In summary, the available evidence is currently insufficient to determine the role of this variant in disease. Therefore, it has been classified as a Variant of Uncertain Significance.

NM_001367805.3(KIF23):c.655T>C (p.Phe219Leu)

Gene: KIF23 (kinesin family member 23; plus strand). Cytogenetic location: 15q23.
Variant type: single nucleotide variant.
Coding change: c.655T>C on transcript NM_001367805.3 (MANE Select); coding-DNA position 655, T replaced by C.
Protein change: p.Phe219Leu; replaces phenylalanine 219 with leucine.
Molecular consequence: missense variant. On other transcripts: non-coding transcript variant (2).
Genome position (GRCh38, 1-based): chr15:69,423,250, T>C. VCF-style: chr15-69423250-T-C. GRCh37 (hg19) VCF-style: chr15-69715589-T-C.
Other names: c.325T>C, p.Phe109Leu (NM_001281301.2); c.655T>C, p.Phe219Leu (NM_001367804.2, NM_004856.7, NM_138555.4); c.655T>C (NM_138555.2); short protein forms F109L, F219L.
Identifiers: ClinVar variation 1392631 (VCV001392631.7), dbSNP rs1298948399, ClinGen allele CA393002773.